The following is an entry in ClinVar:

ClinVar aggregate classification (germline): Pathogenic (1 of 4 stars; one submission).

Conditions:
Hereditary cancer-predisposing syndrome. Also called: Neoplastic Syndromes, Hereditary; Tumor predisposition; Hereditary neoplastic syndrome; Hereditary Cancer Syndrome. Identifiers: Orphanet 140162, MedGen C0027672, MeSH D009386, MONDO:0015356.

Submission:

Ambry Genetics
Classification: Pathogenic for Hereditary cancer-predisposing syndrome. Last evaluated: 2018-05-11. Review status: criteria provided, single submitter. Criteria: Ambry Variant Classification Scheme 2023. Collection method: clinical testing. Allele origin: germline.
Comment: The p.Y2567* pathogenic mutation (also known as c.7701T>A), located in coding exon 15 of the BRCA2 gene, results from a T to A substitution at nucleotide position 7701. This changes the amino acid from a tyrosine to a stop codon within coding exon 15. This alteration is expected to result in loss of function by premature protein truncation or nonsense-mediated mRNA decay. As such, this alteration is interpreted as a disease-causing mutation.

NM_000059.4(BRCA2):c.7701T>A (p.Tyr2567Ter)

Gene: BRCA2 (BRCA2 DNA repair associated; plus strand). Cytogenetic location: 13q13.1.
Variant type: single nucleotide variant.
Coding change: c.7701T>A on transcript NM_000059.4 (MANE Select); coding-DNA position 7701, T replaced by A.
Protein change: p.Tyr2567Ter; replaces tyrosine 2567 with a stop codon.
Molecular consequence: nonsense.
Genome position (GRCh38, 1-based): chr13:32,357,825, T>A. VCF-style: chr13-32357825-T-A. GRCh37 (hg19) VCF-style: chr13-32931962-T-A.
Other names: short protein forms Y2567*.
Identifiers: ClinVar variation 827211 (VCV000827211.4), dbSNP rs1555286423, ClinGen allele CA387745255.